The following is an entry in ClinVar:

ClinVar aggregate classification (germline): Pathogenic/Likely pathogenic. Review status: criteria provided, multiple submitters, no conflicts (2 of 4 stars). 3 submissions from 3 submitters: Pathogenic (2); Likely pathogenic (1). Last evaluated 2025-09-23.

Conditions:
Epilepsy, familial focal, with variable foci 3 (FFEVF3). Identifiers: MedGen C4310708, MONDO:0014925, OMIM 617118.

Submissions (3):

3billion
Classification: Pathogenic for Epilepsy, familial focal, with variable foci 3. Last evaluated: 2025-09-23. Review status: criteria provided, single submitter. Criteria: ACMG Guidelines, 2015. Collection method: clinical testing. Allele origin: germline. Affected: yes.
Comment: The variant is not observed in the gnomAD v4.1.0 dataset. Predicted Consequence/Location: Stop-gained (nonsense): predicted to result in a loss or disruption of normal protein function through nonsense-mediated decay (NMD) or protein truncation. Multiple pathogenic variants are reported downstream of the variant. The variant has been reported at least twice as pathogenic with clinical assertions and evidence for the classification (ClinVar ID: VCV000803143 /PMID: 30093711). Therefore, this variant is classified as Pathogenic according to the recommendation of ACMG/AMP guideline.

Labcorp Genetics (formerly Invitae), Labcorp
Classification: Pathogenic for Epilepsy, familial focal, with variable foci 3. Last evaluated: 2021-04-28. Review status: criteria provided, single submitter. Criteria: Invitae Variant Classification Sherloc (09022015). Collection method: clinical testing. Allele origin: germline.
Comment: This sequence change creates a premature translational stop signal (p.Gln101*) in the NPRL3 gene. It is expected to result in an absent or disrupted protein product. Loss-of-function variants in NPRL3 are known to be pathogenic (PMID: 26285051, 26505888). This variant is not present in population databases (ExAC no frequency). This variant has been observed in individual(s) with NPRL3-related conditions (PMID: 30093711). ClinVar contains an entry for this variant (Variation ID: 803143). For these reasons, this variant has been classified as Pathogenic.

Mendelics
Classification: Likely pathogenic for Epilepsy, familial focal, with variable foci 3. Last evaluated: 2019-05-28. Review status: criteria provided, single submitter. Criteria: Mendelics Assertion Criteria 2017. Collection method: clinical testing. Allele origin: unknown.

Literature cited by the submitters: PubMed 30093711 (cited by 3billion and Labcorp Genetics (formerly Invitae), Labcorp); PubMed 26285051 (cited by Labcorp Genetics (formerly Invitae), Labcorp); PubMed 26505888 (cited by Labcorp Genetics (formerly Invitae), Labcorp).

NM_001077350.3(NPRL3):c.301C>T (p.Gln101Ter)

Genes: HBA-LCR (alpha-globin locus control region; plus strand), NPRL3 (NPR3 like, GATOR1 complex subunit; minus strand). Cytogenetic location: 16p13.3.
Variant type: single nucleotide variant.
Coding change: c.301C>T on transcript NM_001077350.3 (MANE Select); coding-DNA position 301, C replaced by T.
Protein change: p.Gln101Ter; replaces glutamine 101 with a stop codon.
Molecular consequence: nonsense. On other transcripts: intron variant (1).
Genome position (GRCh38, 1-based): chr16:119,143, G>A on the plus strand (C>T on the coding strand, the complement: NPRL3 is on the minus strand). VCF-style: chr16-119143-G-A. GRCh37 (hg19) VCF-style: chr16-169142-G-A.
Other names: c.67C>T, p.Gln23Ter (NM_001243247.2); c.301C>T, p.Gln101Ter (NM_001243248.2, NM_001243249.2); c.-144-6368C>T (NM_001039476.3); short protein forms Q101*, Q23*.
Identifiers: ClinVar variation 803143 (VCV000803143.9), dbSNP rs1596528731, ClinGen allele CA393995218.
Genomic context (GRCh38, chr16:119,143, plus strand): 5'-CATCTGCCCAGGGAGAGCCCCACCTGCCCAGGGAGAGCCATACCTGCCCCAGAGCATGCT[G>A]TAGCAGTGTTGGGTGCCCAACAAATCGCACATTATCAATCTTCAGTTCAAATTTTTGGCC-3'